The following is an entry in ClinVar:

NM_004423.4(DVL3):c.673A>G (p.Lys225Glu)

Gene: DVL3 (dishevelled segment polarity protein 3; plus strand). Cytogenetic location: 3q27.1.
Variant type: single nucleotide variant.
Coding change: c.673A>G on transcript NM_004423.4 (MANE Select); coding-DNA position 673, A replaced by G.
Protein change: p.Lys225Glu; replaces lysine 225 with glutamic acid.
Molecular consequence: missense variant.
Genome position (GRCh38, 1-based): chr3:184,165,186, A>G. VCF-style: chr3-184165186-A-G. GRCh37 (hg19) VCF-style: chr3-183882974-A-G.
Other names: short protein forms K225E.
Identifiers: ClinVar variation 1927968 (VCV001927968.5), dbSNP rs768100823, ClinGen allele CA2727192.

ClinVar aggregate classification (germline): Uncertain significance (1 of 4 stars; one submission).

Allele frequency attached by ClinVar (database versions not stated): gnomAD exomes 0.00001; ExAC 0.00002; TOPMed 0.00004.
gnomAD v4.1: 9 of 1,600,622 alleles (0.00056%); highest among the groups gnomAD compares: African/African-American, 0.008%; no homozygotes.

Submission:

Labcorp Genetics (formerly Invitae), Labcorp
Classification: Uncertain significance. Last evaluated: 2025-12-06. Review status: criteria provided, single submitter. Criteria: Invitae Variant Classification Sherloc (09022015). Collection method: clinical testing. Allele origin: germline.
Comment: This sequence change replaces lysine, which is basic and polar, with glutamic acid, which is acidic and polar, at codon 225 of the DVL3 protein (p.Lys225Glu). This variant is present in population databases (rs768100823, gnomAD 0.01%). This variant has not been reported in the literature in individuals affected with DVL3-related conditions. ClinVar contains an entry for this variant (Variation ID: 1927968). Invitae Evidence Modeling of protein sequence and biophysical properties (such as structural, functional, and spatial information, amino acid conservation, physicochemical variation, residue mobility, and thermodynamic stability) indicates that this missense variant is not expected to disrupt DVL3 protein function with a negative predictive value of 80%. In summary, the available evidence is currently insufficient to determine the role of this variant in disease. Therefore, it has been classified as a Variant of Uncertain Significance.